The following is an entry in ClinVar:

NM_015089.4(CUL9):c.3051-8C>T

Gene: CUL9 (cullin 9; plus strand). Cytogenetic location: 6p21.1.
Variant type: single nucleotide variant.
Coding change: c.3051-8C>T on transcript NM_015089.4 (MANE Select); 8 bases into the intron before coding-DNA position 3051, C replaced by T.
Molecular consequence: intron variant.
Genome position (GRCh38, 1-based): chr6:43,199,258, C>T. VCF-style: chr6-43199258-C-T. GRCh37 (hg19) VCF-style: chr6-43166996-C-T.
Identifiers: ClinVar variation 3038482 (VCV003038482.2), dbSNP rs115509421, ClinGen allele CA3817749.

ClinVar aggregate classification (germline): Benign (0 of 4 stars; one submission).

Conditions:
CUL9-related disorder. Also called: CUL9-related condition.

Allele frequency attached by ClinVar (database versions not stated): ExAC 0.00076; 1000 Genomes Project 0.00180; gnomAD 0.00203; 1000 Genomes Project 30x 0.00219; ESP Exome Variant Server 0.00269.
gnomAD v4.1: 618 of 1,610,432 alleles (0.038%); highest among the groups gnomAD compares: African/African-American, 0.73%; 5 homozygotes.

Submission:

PreventionGenetics, part of Exact Sciences
Classification: Benign for CUL9-related condition. Last evaluated: 2019-05-02. Review status: no assertion criteria provided. Collection method: clinical testing. Allele origin: germline.
Comment: This variant is classified as benign based on ACMG/AMP sequence variant interpretation guidelines (Richards et al. 2015 PMID: 25741868, with internal and published modifications).